The following is an entry in ClinVar:

ClinVar aggregate classification (germline): Uncertain significance (1 of 4 stars; one submission).

Allele frequency attached by ClinVar (database versions not stated): TOPMed below 0.00001; gnomAD 0.00001.
gnomAD v4.1: 4 of 1,613,860 alleles (0.00025%); highest among the groups gnomAD compares: South Asian, 0.0011%; no homozygotes.

Submission:

Labcorp Genetics (formerly Invitae), Labcorp
Classification: Uncertain significance. Last evaluated: 2022-04-06. Review status: criteria provided, single submitter. Criteria: Invitae Variant Classification Sherloc (09022015). Collection method: clinical testing. Allele origin: germline.
Comment: This sequence change replaces proline, which is neutral and non-polar, with serine, which is neutral and polar, at codon 2326 of the FLNB protein (p.Pro2326Ser). This variant is present in population databases (no rsID available, gnomAD 0.003%). This variant has not been reported in the literature in individuals affected with FLNB-related conditions. Advanced modeling of protein sequence and biophysical properties (such as structural, functional, and spatial information, amino acid conservation, physicochemical variation, residue mobility, and thermodynamic stability) performed at Invitae indicates that this missense variant is expected to disrupt FLNB protein function. In summary, the available evidence is currently insufficient to determine the role of this variant in disease. Therefore, it has been classified as a Variant of Uncertain Significance.

NM_001457.4(FLNB):c.6976C>T (p.Pro2326Ser)

Gene: FLNB (filamin B; plus strand). Cytogenetic location: 3p14.3.
Variant type: single nucleotide variant.
Coding change: c.6976C>T on transcript NM_001457.4 (MANE Select); coding-DNA position 6976, C replaced by T.
Protein change: p.Pro2326Ser; replaces proline 2326 with serine.
Molecular consequence: missense variant.
Genome position (GRCh38, 1-based): chr3:58,159,641, C>T. VCF-style: chr3-58159641-C-T. GRCh37 (hg19) VCF-style: chr3-58145368-C-T.
Other names: c.7069C>T, p.Pro2357Ser (NM_001164317.2); c.6943C>T, p.Pro2315Ser (NM_001164318.2); c.6904C>T, p.Pro2302Ser (NM_001164319.2); short protein forms P2357S, P2302S, P2315S, P2326S.
Identifiers: ClinVar variation 1991631 (VCV001991631.4), dbSNP rs1211837552, ClinGen allele CA353363783.
Genomic context (GRCh38, chr3:58,159,641, plus strand): 5'-GCATCCTTTGCTATAAGGTTGAATGGCGCAAAAGGCAAGATTGATGCAAAGGTGCACAGC[C>T]CCTCTGGAGCCGTGGAGGAGTGCCACGTGTCTGAGCTGGAGCCAGGTGAGCAGGAGGCCT-3'
Protein context (NP_001448.2, residues 2316-2336): KGKIDAKVHS[Pro2326Ser]SGAVEECHVS